The following is an entry in ClinVar:

ClinVar aggregate classification (germline): Uncertain significance. Review status: criteria provided, multiple submitters, no conflicts (2 of 4 stars). 2 submissions from 2 submitters: Uncertain significance (2). Last evaluated 2025-05-28.

Conditions:
Cardiovascular phenotype. Identifiers: MedGen CN230736.

Allele frequency attached by ClinVar (database versions not stated): ExAC 0.00009.
gnomAD v4.1: 13 of 1,592,386 alleles (0.00082%); highest among the groups gnomAD compares: Admixed American, 0.021%; no homozygotes.

Submissions (2):

Labcorp Genetics (formerly Invitae), Labcorp
Classification: Uncertain significance. Last evaluated: 2025-05-28. Review status: criteria provided, single submitter. Criteria: Invitae Variant Classification Sherloc (09022015). Collection method: clinical testing. Allele origin: germline.
Comment: This sequence change replaces glutamic acid, which is acidic and polar, with lysine, which is basic and polar, at codon 1381 of the ALPK3 protein (p.Glu1381Lys). This variant is present in population databases (rs776845827, gnomAD 0.03%). This variant has not been reported in the literature in individuals affected with ALPK3-related conditions. ClinVar contains an entry for this variant (Variation ID: 1374709). Invitae Evidence Modeling of protein sequence and biophysical properties (such as structural, functional, and spatial information, amino acid conservation, physicochemical variation, residue mobility, and thermodynamic stability) indicates that this missense variant is expected to disrupt ALPK3 protein function with a positive predictive value of 80%. In summary, the available evidence is currently insufficient to determine the role of this variant in disease. Therefore, it has been classified as a Variant of Uncertain Significance.

Ambry Genetics
Classification: Uncertain significance for Cardiovascular phenotype. Last evaluated: 2024-11-13. Review status: criteria provided, single submitter. Criteria: Ambry Variant Classification Scheme 2023. Collection method: clinical testing. Allele origin: germline.
Comment: The p.E1381K variant (also known as c.4141G>A), located in coding exon 6 of the ALPK3 gene, results from a G to A substitution at nucleotide position 4141. The glutamic acid at codon 1381 is replaced by lysine, an amino acid with similar properties. This amino acid position is conserved. In addition, this alteration is predicted to be tolerated by in silico analysis. Based on the available evidence, the clinical significance of this variant remains unclear.

NM_020778.5(ALPK3):c.3535G>A (p.Glu1179Lys)

Gene: ALPK3 (alpha kinase 3; plus strand). Cytogenetic location: 15q25.3.
Variant type: single nucleotide variant.
Coding change: c.3535G>A on transcript NM_020778.5 (MANE Select); coding-DNA position 3535, G replaced by A.
Protein change: p.Glu1179Lys; replaces glutamic acid 1179 with lysine.
Molecular consequence: missense variant.
Genome position (GRCh38, 1-based): chr15:84,858,273, G>A. VCF-style: chr15-84858273-G-A. GRCh37 (hg19) VCF-style: chr15-85401504-G-A.
Other names: c.4141G>A (NM_020778.4); short protein forms E1179K.
Identifiers: ClinVar variation 1374709 (VCV001374709.9), dbSNP rs776845827, ClinGen allele CA7709658.